The following is an entry in ClinVar:

NC_000009.11:g.(?_130579418)_(130579492_?)del

Gene: ENG (endoglin; minus strand). Cytogenetic location: 9q34.11.
Variant type: Deletion.
Identifiers: ClinVar variation 2422375 (VCV002422375.5).

ClinVar aggregate classification (germline): Pathogenic (1 of 4 stars; one submission).

Conditions:
Hereditary hemorrhagic telangiectasia (HHT). Also called: ORW DISEASE; Osler Weber Rendu syndrome; OSLER-RENDU-WEBER DISEASE; Osler hemorrhagic telangiectasia syndrome. Identifiers: Orphanet 774, MedGen C0039445, MONDO:0019180. Disease mechanism: loss of function.

Submission:

Labcorp Genetics (formerly Invitae), Labcorp
Classification: Pathogenic for Hereditary hemorrhagic telangiectasia. Last evaluated: 2022-07-15. Review status: criteria provided, single submitter. Criteria: Invitae Variant Classification Sherloc (09022015). Collection method: clinical testing. Allele origin: germline.
Comment: This variant is a gross deletion of the genomic region encompassing exon(s) 13 of the ENG gene. While this deletion is not anticipated to lead to nonsense mediated decay, it is expected to disrupt the C-terminus of the protein. This variant has not been reported in the literature in individuals affected with ENG-related conditions. This variant disrupts a region of the ENG protein in which other variant(s) (p.Leu572*) have been determined to be pathogenic (Invitae). This suggests that this is a clinically significant region of the protein, and that variants that disrupt it are likely to be disease-causing. For these reasons, this variant has been classified as Pathogenic.